The following is an entry in ClinVar:

ClinVar aggregate classification (germline): Uncertain significance. Review status: reviewed by expert panel (3 of 4 stars). 2 submissions from 2 submitters: Uncertain significance (1). 1 of the submissions does not count toward it. Last evaluated 2023-11-14.

Conditions:
Severe combined immunodeficiency disease. Also called: Severe Combined Immune Deficiency; Severe combined immunodeficiency. Identifiers: Orphanet 183660, MedGen C0085110, MeSH D016511, MONDO:0015974, HP:0004430. Inheritance: X-Linked or Autosomal recessive.
Severe combined immunodeficiency due to DCLRE1C deficiency (RS-SCID). Also called: SCID, AUTOSOMAL RECESSIVE, T CELL-NEGATIVE, B CELL-NEGATIVE, NK CELL-POSITIVE, WITH SENSITIVITY TO IONIZING RADIATION. Identifiers: Orphanet 275, MedGen C1865371, MONDO:0011225, OMIM 602450.

Submissions (2):

ClinGen Severe Combined Immunodeficiency Variant Curation Expert Panel, ClinGen
Classification: Uncertain significance for Severe combined immunodeficiency due to DCLRE1C deficiency. Last evaluated: 2023-11-14. Review status: reviewed by expert panel. Criteria: ClinGen SCID ACMG Specifications DCLRE1C V1.0.0. Collection method: curation. Allele origin: germline. Inheritance: Autosomal recessive inheritance.
Comment: The NM_001033855.3:c.247-1G>C variant in DCLRE1C occurs within the canonical splice acceptor site (-1) of intron 3. It is predicted to cause skipping of biologically relevant exon 4, resulting in an in-frame deletion (removes amino acids 83-102). The variant removes <10% of the protein (20/692 amino acids) (PVS1_Moderate). This variant is absent from gnomAD v2.1.1 (PM2_Supporting). To our knowledge, this variant has not been reported in the literature in individuals affected with DCLRE1C/SCID conditions or in functional studies. Due to insufficient evidence, this variant is classified as a variant of uncertain significance for autosomal recessive SCID based on ACMG/AMP criteria applied, as specified by the ClinGen SCID VCEP (specification version 1.0): PVS1_Moderate and PM2_Supporting.

Women's Health and Genetics/Laboratory Corporation of America, LabCorp
Classification: Likely pathogenic for Severe combined immunodeficiency disease. Last evaluated: 2022-05-24. Review status: criteria provided, single submitter. Criteria: LabCorp Variant Classification Summary - May 2015. Collection method: clinical testing. Allele origin: germline. Not counted in ClinVar's aggregate classification.
Comment: Variant summary: DCLRE1C c.247-1G>C is located in a canonical splice-site and is predicted to affect mRNA splicing resulting in a significantly altered protein due to either exon skipping, shortening, or inclusion of intronic material. Several computational tools predict a significant impact on normal splicing: Four predict the variant abolishes the canonical 3' splice acceptor site. However, these predictions have yet to be confirmed by functional studies. The variant was absent in 247852 control chromosomes. To our knowledge, no occurrence of c.247-1G>C in individuals affected with Severe Combined Immunodeficiency and no experimental evidence demonstrating its impact on protein function have been reported. However, a different variant at the same location, c.247-1G>T has been reported in association with Severe Combined Immunodeficiency in the HGMD database. No clinical diagnostic laboratories have submitted clinical-significance assessments for this variant to ClinVar after 2014. Based on the evidence outlined above, the variant was classified as likely pathogenic.

NM_001033855.3(DCLRE1C):c.247-1G>C

Gene: DCLRE1C (DNA cross-link repair 1C; minus strand). Cytogenetic location: 10p13.
Variant type: single nucleotide variant.
Coding change: c.247-1G>C on transcript NM_001033855.3 (MANE Select); the canonical splice acceptor site of the intron before coding-DNA position 247, G replaced by C.
Molecular consequence: splice acceptor variant.
Genome position (GRCh38, 1-based): chr10:14,939,870, C>G on the plus strand (G>C on the coding strand, the complement: DCLRE1C is on the minus strand). VCF-style: chr10-14939870-C-G. GRCh37 (hg19) VCF-style: chr10-14981869-C-G.
Other names: c.-43-1G>C (NM_001350966.2, NM_001289078.2, NM_001289076.2 and 1 more transcripts); c.247-1G>C (NM_001350965.2); c.-114-1G>C (NM_001350967.2, NM_001289077.2, NM_001289079.2 and 2 more transcripts).
Identifiers: ClinVar variation 1696158 (VCV001696158.2), dbSNP rs2131027668, ClinGen allele CA376062491.